The following is an entry in ClinVar:

NM_170606.3(KMT2C):c.8252C>T (p.Ser2751Leu)

Gene: KMT2C (lysine methyltransferase 2C; minus strand). Cytogenetic location: 7q36.1.
Variant type: single nucleotide variant.
Coding change: c.8252C>T on transcript NM_170606.3 (MANE Select); coding-DNA position 8252, C replaced by T.
Protein change: p.Ser2751Leu; replaces serine 2751 with leucine.
Molecular consequence: missense variant.
Genome position (GRCh38, 1-based): chr7:152,177,201, G>A on the plus strand (C>T on the coding strand, the complement: KMT2C is on the minus strand). VCF-style: chr7-152177201-G-A. GRCh37 (hg19) VCF-style: chr7-151874286-G-A.
Other names: short protein forms S2751L.
Identifiers: ClinVar variation 2444052 (VCV002444052.2), dbSNP rs2129114393, ClinGen allele CA370081101.
Genomic context (GRCh38, chr7:152,177,201, plus strand): 5'-CTTTTCTTATCTCCCATGTCAAGTTCTGGATCTGTATATGCAATGATATCAAACTCTCCT[G>A]ACCTTAAGAGGTCATCCAGGTTGGGATCATTAGTTTCCAAATTATCTAAAGTATCCAATT-3'
Protein context (NP_733751.2, residues 2741-2761): NDPNLDDLLR[Ser2751Leu]GEFDIIAYTD

ClinVar aggregate classification (germline): Conflicting classifications of pathogenicity. Review status: criteria provided, conflicting classifications (1 of 4 stars). 2 submissions from 2 submitters: Uncertain significance (1); Benign (1). Last evaluated 2025-08-12.

Conditions:
Kleefstra syndrome 2 (KLEFS2). Identifiers: MedGen C4540395, MONDO:0054701, OMIM 617768.

Submissions (2):

Labcorp Genetics (formerly Invitae), Labcorp
Classification: Benign. Last evaluated: 2025-08-12. Review status: criteria provided, single submitter. Criteria: Invitae Variant Classification Sherloc (09022015). Collection method: clinical testing. Allele origin: germline.

3billion
Classification: Uncertain significance for Kleefstra syndrome 2. Last evaluated: 2023-02-23. Review status: criteria provided, single submitter. Criteria: ACMG Guidelines, 2015. Collection method: clinical testing. Allele origin: unknown. Affected: yes.
Comment: The variant is not observed in the gnomAD v2.1.1 dataset. Protein truncation variants are a common disease-causing mechanism. In silico tool predictions suggest damaging effect of the variant on gene or gene product (REVEL: 0.60). Therefore, this variant is classified as VUS according to the recommendation of ACMG/AMP guideline.